The following is an entry in ClinVar:

NM_000094.4(COL7A1):c.7017C>T (p.Gly2339=)

Gene: COL7A1 (collagen type VII alpha 1 chain; minus strand). Cytogenetic location: 3p21.31.
Variant type: single nucleotide variant.
Coding change: c.7017C>T on transcript NM_000094.4 (MANE Select); coding-DNA position 7017, C replaced by T.
Protein change: p.Gly2339=; no amino-acid change (glycine 2339 retained).
Molecular consequence: synonymous variant.
Genome position (GRCh38, 1-based): chr3:48,572,133, G>A on the plus strand (C>T on the coding strand, the complement: COL7A1 is on the minus strand). VCF-style: chr3-48572133-G-A. GRCh37 (hg19) VCF-style: chr3-48609566-G-A.
Identifiers: ClinVar variation 1676631 (VCV001676631.18), dbSNP rs1362309822, ClinGen allele CA433535133.

ClinVar aggregate classification (germline): Pathogenic/Likely pathogenic. Review status: criteria provided, multiple submitters, no conflicts (2 of 4 stars). 4 submissions from 4 submitters: Pathogenic (2); Likely pathogenic (2). Last evaluated 2024-10-09.

Conditions:
Epidermolysis bullosa dystrophica. Also called: Dystrophic epidermolysis bullosa, Hallopeau-Siemens type (formerly); Dystrophic epidermolysis bullosa. Identifiers: Orphanet 303, MedGen C0079294, MONDO:0006543.
Recessive dystrophic epidermolysis bullosa (RDEB). Also called: Hallopeau-Siemens Disease; DYSTROPHIC EPIDERMOLYSIS BULLOSA, AUTOSOMAL RECESSIVE; EPIDERMOLYSIS BULLOSA DYSTROPHICA, HALLOPEAU-SIEMENS TYPE; EPIDERMOLYSIS BULLOSA DYSTROPHICA, GENERALIZED SEVERE, AUTOSOMAL RECESSIVE; epidermolysis bullosa dystrophica, autosomal recessive; Recessive DEB (RDEB). Identifiers: Orphanet 79408, Orphanet 79409, MedGen C0079474, MONDO:0009179, OMIM 226600.
Transient bullous dermolysis of the newborn (TBDN). Also called: DYSTROPHIC EPIDERMOLYSIS BULLOSA, NEONATAL; EPIDERMOLYSIS BULLOSA DYSTROPHICA, NEONATAL FORM. Identifiers: Orphanet 79411, MedGen C1851573, MONDO:0007548, OMIM 131705.

gnomAD v4.1: 8 of 1,613,798 alleles (0.0005%); highest among the groups gnomAD compares: African/African-American, 0.0013%; no homozygotes.

Submissions (4):

Labcorp Genetics (formerly Invitae), Labcorp
Classification: Pathogenic. Last evaluated: 2024-10-09. Review status: criteria provided, single submitter. Criteria: Invitae Variant Classification Sherloc (09022015). Collection method: clinical testing. Allele origin: germline.
Comment: This sequence change affects codon 2339 of the COL7A1 mRNA. It is a 'silent' change, meaning that it does not change the encoded amino acid sequence of the COL7A1 protein. This variant is present in population databases (no rsID available, gnomAD 0.002%). This variant has been observed in individual(s) with autosomal recessive epidermolysis bullosa dystrophica (PMID: 19681861, 35979658). In at least one individual the data is consistent with being in trans (on the opposite chromosome) from a pathogenic variant. ClinVar contains an entry for this variant (Variation ID: 1676631). Algorithms developed to predict the effect of sequence changes on RNA splicing suggest that this variant may disrupt the consensus splice site. For these reasons, this variant has been classified as Pathogenic.

Natera, Inc.
Classification: Likely pathogenic for Dystrophic epidermolysis bullosa. Last evaluated: 2024-07-25. Review status: criteria provided, single submitter. Criteria: Natera Variant Classification Schema (03/2026). Collection method: clinical testing. Allele origin: germline.
Comment: The c.7017C>T variant in COL7A1 is a synonymous variant that does not alter the encoded amino acid at position 2339 (p.G2339=). This variant is rare in the general population with a frequency below the threshold expected for the associated phenotype(s). This variant has been observed in one or more individuals affected with the associated recessive disease, as either homozygous or compound heterozygous with a second variant (PMID: 36287101, 19681861, 35979658). Computational prediction algorithms indicate this variant is likely to affect gene or protein function. Given the available evidence, this variant is classified as Likely Pathogenic.

Mendelics
Classification: Likely pathogenic for Transient bullous dermolysis of the newborn. Last evaluated: 2022-05-04. Review status: criteria provided, single submitter. Criteria: Mendelics Assertion Criteria 2019. Collection method: clinical testing. Allele origin: germline.

Center for Research in Genodermatoses and Epidermolysis Bullosa, University of Buenos Aires
Classification: Pathogenic for Recessive dystrophic epidermolysis bullosa. Last evaluated: 2022-03-14. Review status: criteria provided, single submitter. Criteria: ACMG Guidelines, 2015. Collection method: clinical testing. Allele origin: maternal. Affected: yes. Observed: 1 variant allele, 1 compound heterozygote.

Literature cited by the submitters: PubMed 19681861 (cited by 3 submitters); PubMed 35979658 (cited by 3 submitters); PubMed 36287101 (cited by Natera, Inc.).